The following is an entry in ClinVar:

ClinVar aggregate classification (germline): Uncertain significance. Review status: criteria provided, multiple submitters, no conflicts (2 of 4 stars). 2 submissions from 2 submitters: Uncertain significance (2). Last evaluated 2026-01-01.

Allele frequency attached by ClinVar (database versions not stated): gnomAD exomes 0.00001; TOPMed 0.00001; ExAC 0.00002.
gnomAD v4.1: 11 of 1,613,824 alleles (0.00068%); highest among the groups gnomAD compares: Non-Finnish European, 0.00085%; no homozygotes.

Submissions (2):

CeGaT Center for Human Genetics Tuebingen
Classification: Uncertain significance. Last evaluated: 2026-01-01. Review status: criteria provided, single submitter. Criteria: CeGaT Center For Human Genetics Tuebingen Variant Classification Criteria Version 2. Collection method: clinical testing. Allele origin: germline. Affected: yes. Observed: 1 variant allele.
Comment: MYO18B: PM2

Labcorp Genetics (formerly Invitae), Labcorp
Classification: Uncertain significance. Last evaluated: 2021-12-03. Review status: criteria provided, single submitter. Criteria: Invitae Variant Classification Sherloc (09022015). Collection method: clinical testing. Allele origin: germline.
Comment: In summary, the available evidence is currently insufficient to determine the role of this variant in disease. Therefore, it has been classified as a Variant of Uncertain Significance. Algorithms developed to predict the effect of missense changes on protein structure and function are either unavailable or do not agree on the potential impact of this missense change (SIFT: "Not Available"; PolyPhen-2: "Probably Damaging"; Align-GVGD: "Not Available"). This variant has not been reported in the literature in individuals affected with MYO18B-related conditions. This variant is present in population databases (rs747665843, gnomAD 0.003%). This sequence change replaces leucine, which is neutral and non-polar, with phenylalanine, which is neutral and non-polar, at codon 1892 of the MYO18B protein (p.Leu1892Phe).

NM_032608.7(MYO18B):c.5674C>T (p.Leu1892Phe)

Gene: MYO18B (myosin XVIIIB; plus strand). Cytogenetic location: 22q12.1.
Variant type: single nucleotide variant.
Coding change: c.5674C>T on transcript NM_032608.7 (MANE Select); coding-DNA position 5674, C replaced by T.
Protein change: p.Leu1892Phe; replaces leucine 1892 with phenylalanine.
Molecular consequence: missense variant.
Genome position (GRCh38, 1-based): chr22:25,947,754, C>T. VCF-style: chr22-25947754-C-T. GRCh37 (hg19) VCF-style: chr22-26343720-C-T.
Other names: c.5677C>T, p.Leu1893Phe (NM_001318245.2); short protein forms L1893F, L1892F.
Identifiers: ClinVar variation 1446899 (VCV001446899.8), dbSNP rs747665843, ClinGen allele CA10161244.